The following is an entry in ClinVar:

NM_000487.6(ARSA):c.827C>A (p.Thr276Lys)

Gene: ARSA (arylsulfatase A; minus strand). Cytogenetic location: 22q13.33.
Variant type: single nucleotide variant.
Coding change: c.827C>A on transcript NM_000487.6 (MANE Select); coding-DNA position 827, C replaced by A.
Protein change: p.Thr276Lys; replaces threonine 276 with lysine.
Molecular consequence: missense variant.
Genome position (GRCh38, 1-based): chr22:50,626,618, G>T on the plus strand (C>A on the coding strand, the complement: ARSA is on the minus strand). VCF-style: chr22-50626618-G-T. GRCh37 (hg19) VCF-style: chr22-51065046-G-T.
Other names: c.827C>A (NM_000487.5); c.827C>A, p.Thr276Lys (NM_001085425.3, NM_001085426.3, NM_001085427.3); c.569C>A, p.Thr190Lys (NM_001085428.3, NM_001362782.2); short protein forms T190K, T276K.
Identifiers: ClinVar variation 800499 (VCV000800499.4), dbSNP rs74315472, ClinGen allele CA412175847.
Genomic context (GRCh38, chr22:50,626,618, plus strand): 5'-GGGCCGGAGCACCCAGCTGCCCTGCTGGCATACCCATTGTCTGCAGTGAAGATGACCAGC[G>T]TCTCTTCAAGCAGCCCCAGGTCCCCTATGGCTGTCATCAGGGTCCCCACAGCTGCATCCA-3'
Protein context (NP_000478.3, residues 266-286): AIGDLGLLEE[Thr276Lys]LVIFTADNGP

ClinVar aggregate classification (germline): Likely pathogenic. Review status: criteria provided, multiple submitters, no conflicts (2 of 4 stars). 3 submissions from 3 submitters: Likely pathogenic (3). Last evaluated 2025-03-21.

Conditions:
Metachromatic leukodystrophy (MLD). Also called: ARSA DEFICIENCY; CEREBROSIDE SULFATASE DEFICIENCY; Arylsulfatase A Deficiency; METACHROMATIC LEUKOENCEPHALOPATHY; SULFATIDE LIPIDOSIS; Cerebral sclerosis diffuse metachromatic form. Identifiers: Orphanet 512, MedGen C0023522, MONDO:0018868, OMIM 250100.

Submissions (3):

Natera, Inc.
Classification: Likely pathogenic for Metachromatic leukodystrophy. Last evaluated: 2025-03-21. Review status: criteria provided, single submitter. Criteria: Natera Variant Classification Schema (03/2026). Collection method: clinical testing. Allele origin: germline.
Comment: The c.827C>A variant in ARSA is a missense variant predicted to cause substitution of threonine to lysine at amino acid 276. This variant is rare in the general population with a frequency below the threshold expected for the associated phenotype(s). This variant has been observed in one or more individuals affected with the associated recessive disease, as either homozygous or compound heterozygous with a second variant (PMID: 33185815). A different variant at the same position has been determined to be Pathogenic or Likely Pathogenic. Computational prediction algorithms indicate this variant is likely to affect gene or protein function. Given the available evidence, this variant is classified as Likely Pathogenic.

Revvity Omics, Revvity
Classification: Likely pathogenic for Metachromatic leukodystrophy. Last evaluated: 2024-06-18. Review status: criteria provided, single submitter. Criteria: ACMG Guidelines, 2015. Collection method: clinical testing. Allele origin: germline.

Medical Molecular Genetics Department, National Research Center
Classification: Likely pathogenic for Metachromatic leukodystrophy. Review status: criteria provided, single submitter. Criteria: ACMG Guidelines, 2015. Collection method: clinical testing. Allele origin: inherited. Affected: yes.

Literature cited by the submitters: PubMed 33185815 (cited by Natera, Inc.).